The following is an entry in ClinVar:

NM_001873.4(CPE):c.1245A>G (p.Ile415Met)

Gene: CPE (carboxypeptidase E; plus strand). Cytogenetic location: 4q32.3.
Variant type: single nucleotide variant.
Coding change: c.1245A>G on transcript NM_001873.4 (MANE Select); coding-DNA position 1245, A replaced by G.
Protein change: p.Ile415Met; replaces isoleucine 415 with methionine.
Molecular consequence: missense variant.
Genome position (GRCh38, 1-based): chr4:165,495,590, A>G. VCF-style: chr4-165495590-A-G. GRCh37 (hg19) VCF-style: chr4-166416742-A-G.
Other names: short protein forms I415M.
Identifiers: ClinVar variation 2637119 (VCV002637119.1), dbSNP rs1313147771, ClinGen allele CA358691075.
Genomic context (GRCh38, chr4:165,495,590, plus strand): 5'-TTGTGATTTGATATTCTGCCTTCCTACAGCAAAGGATGGTGATTACTGGAGATTGCTTAT[A>G]CCTGGAAACTATAAACTTACAGCCTCAGCTCCAGGCTATCTGGCAATAACAAAGAAAGTG-3'
Protein context (NP_001864.1, residues 405-425): AKDGDYWRLL[Ile415Met]PGNYKLTASA

ClinVar aggregate classification (germline): Uncertain significance (1 of 4 stars; one submission).

Conditions:
CPE-related disorder. Also called: CPE-related condition.

Allele frequency attached by ClinVar (database versions not stated): gnomAD exomes below 0.00001.
gnomAD v4.1: 6 of 1,613,648 alleles (0.00037%); highest among the groups gnomAD compares: Non-Finnish European, 0.00034%; no homozygotes.

Submission:

PreventionGenetics, part of Exact Sciences
Classification: Uncertain significance for CPE-related condition. Last evaluated: 2022-09-16. Review status: criteria provided, single submitter. Criteria: ACMG Guidelines, 2015. Collection method: clinical testing. Allele origin: germline.
Comment: The CPE c.1245A>G variant is predicted to result in the amino acid substitution p.Ile415Met. To our knowledge, this variant has not been reported in the literature. This variant is reported in 0.020% of alleles in individuals of Ashkenazi Jewish descent in gnomAD. At this time, the clinical significance of this variant is uncertain due to the absence of conclusive functional and genetic evidence.